The following is an entry in ClinVar:

ClinVar aggregate classification (germline): Uncertain significance (1 of 4 stars; one submission).

Submission:

GeneDx
Classification: Uncertain significance. Last evaluated: 2024-01-08. Review status: criteria provided, single submitter. Criteria: GeneDx Variant Classification Process June 2021. Collection method: clinical testing. Allele origin: germline. Affected: yes.
Comment: Not observed at significant frequency in large population cohorts (gnomAD); In silico analysis supports that this missense variant has a deleterious effect on protein structure/function; Has not been previously published as pathogenic or benign to our knowledge

NM_000054.7(AVPR2):c.830T>G (p.Val277Gly)

Gene: AVPR2 (arginine vasopressin receptor 2; plus strand). Cytogenetic location: Xq28.
Variant type: single nucleotide variant.
Coding change: c.830T>G on transcript NM_000054.7 (MANE Select); coding-DNA position 830, T replaced by G.
Protein change: p.Val277Gly; replaces valine 277 with glycine.
Molecular consequence: missense variant. On other transcripts: non-coding transcript variant (1).
Genome position (GRCh38, 1-based): chrX:153,906,336, T>G. VCF-style: chrX-153906336-T-G. GRCh37 (hg19) VCF-style: chrX-153171790-T-G.
Other names: c.830T>G, p.Val277Gly (NM_001146151.3); short protein forms V277G.
Identifiers: ClinVar variation 3367617 (VCV003367617.1).